The following is an entry in ClinVar:

NM_000518.4(HBB):c.-102G>T

Genes: HBB (hemoglobin subunit beta; minus strand), LOC106099062 (HBB recombination region; plus strand), LOC107133510 (origin of replication at HBB; plus strand). Cytogenetic location: 11p15.4.
Variant type: single nucleotide variant.
Coding change: c.-102G>T on transcript NM_000518.4; 102 bases upstream of the start codon, G replaced by T.
Genome position (GRCh38, 1-based): chr11:5,227,123, C>A on the plus strand (G>T on the coding strand, the complement: HBB is on the minus strand). VCF-style: chr11-5227123-C-A. GRCh37 (hg19) VCF-style: chr11-5248353-C-A.
Identifiers: ClinVar variation 495973 (VCV000495973.3), dbSNP rs1554918277, ClinGen allele CA658683681.

ClinVar aggregate classification (germline): Uncertain significance (1 of 4 stars; one submission).

Submission:

Women's Health and Genetics/Laboratory Corporation of America, LabCorp
Classification: Uncertain significance. Last evaluated: 2017-06-30. Review status: criteria provided, single submitter. Criteria: LabCorp Variant Classification Summary - May 2015. Collection method: clinical testing. Allele origin: germline.
Comment: Variant summary: The HBB c.-102G>T variant (alternatively also known as -52G>T) results into substitution of a non-conserved nucleotide with MutationTaster predicting a benign outcome. The variant is located in between CCAAT and TATA elements in the HBB gene promoter. This area is known as the direct repeat element (DRE) region, and has been shown to be an important regulator element for transcription. Another variant c.-100G>A has been identified in this region in association with beta thalassemia (classified as VUS-possibly pathogenic by LCA). Although the variant position/region is not covered in ExAC and NHLBI ESP, it is covered in gnomAD database and is absent in 30976 control chromosomes. This variant has been reported in two unrelated Omani subjects in compound heterozygous state with Hb S (i.e. p.Glu7Val) with possible indication of a very mild beta+ thalassemia (Hassan_2014). Other two subjects were heterozygous carrier for this variant, who also carried c.-alfa3.7 in homozygous and heterozygous state, respectively, had borderline/elevated Hb A2, alfa-thalassemia (alfa-thal) and hypochromic red cell indices. Taken together, this variant is classified as VUS-possibly pathogenic.